The following is an entry in ClinVar:

NM_000092.5(COL4A4):c.-2C>T

Gene: COL4A4 (collagen type IV alpha 4 chain; minus strand). Cytogenetic location: 2q36.3.
Variant type: single nucleotide variant.
Coding change: c.-2C>T on transcript NM_000092.5 (MANE Select); 2 bases upstream of the start codon, C replaced by T.
Molecular consequence: 5 prime UTR variant.
Genome position (GRCh38, 1-based): chr2:227,147,485, G>A on the plus strand (C>T on the coding strand, the complement: COL4A4 is on the minus strand). VCF-style: chr2-227147485-G-A. GRCh37 (hg19) VCF-style: chr2-228012201-G-A.
Identifiers: ClinVar variation 255011 (VCV000255011.16), dbSNP rs2228558, ClinGen allele CA2145876.
Genomic context (GRCh38, chr2:227,147,485, plus strand): 5'-GCCAAGGACTTGGTCAATCTGAAGGAGCACCTCATTAGTACTATGTGCAGAGACCACATC[G>A]CAGGCAAGTCTTAGTACTTAAAAAATATTCTGCCAGTCTTCTCTTCCAGAAGGTTCTTGT-3'

ClinVar aggregate classification (germline): Benign. Review status: criteria provided, multiple submitters, no conflicts (2 of 4 stars). 10 submissions from 10 submitters: Benign (9). 1 of the submissions does not count toward it. Last evaluated 2024-11-29.

Conditions:
Alport syndrome. Also called: Hemorrhagic familial nephritis; Hemorrhagic hereditary nephritis; Congenital hereditary hematuria. Identifiers: Orphanet 63, MedGen C1567741, MONDO:0018965.

Allele frequency attached by ClinVar (database versions not stated): TOPMed 0.10780; 1000 Genomes Project 30x 0.11274; gnomAD exomes 0.00935 and 0.02439; ExAC 0.02924; gnomAD 0.09578 and 0.10292; ESP Exome Variant Server 0.10240; 1000 Genomes Project 0.10483.
gnomAD v4.1: 28,791 of 1,612,518 alleles (1.8%); highest among the groups gnomAD compares: African/African-American, 33%; 4,284 homozygotes.

Submissions (10):

Women's Health and Genetics/Laboratory Corporation of America, LabCorp
Classification: Benign. Last evaluated: 2024-11-29. Review status: criteria provided, single submitter. Criteria: LabCorp Variant Classification Summary - May 2015. Collection method: clinical testing. Allele origin: germline.

Blueprint Genetics
Classification: Benign. Last evaluated: 2024-11-26. Review status: criteria provided, single submitter. Criteria: ACMG Guidelines, 2015. Collection method: clinical testing. Allele origin: germline.

Mayo Clinic Laboratories, Mayo Clinic
Classification: Benign. Last evaluated: 2023-03-26. Review status: criteria provided, single submitter. Criteria: ACMG Guidelines, 2015. Collection method: clinical testing. Allele origin: germline. Observed: 31 variant alleles.

Athena Diagnostics
Classification: Benign. Last evaluated: 2018-05-23. Review status: criteria provided, single submitter. Criteria: Athena Diagnostics Criteria. Collection method: clinical testing. Allele origin: germline.

Illumina Laboratory Services, Illumina
Classification: Benign for Alport syndrome. Last evaluated: 2018-01-13. Review status: criteria provided, single submitter. Criteria: ICSL Variant Classification Criteria 13 December 2019. Collection method: clinical testing. Allele origin: germline.
Comment: This variant was observed in the ICSL laboratory as part of a predisposition screen in an ostensibly healthy population. It had not been previously curated by ICSL or reported in the Human Gene Mutation Database (HGMD: prior to June 1st, 2018), and was therefore a candidate for classification through an automated scoring system. Utilizing variant allele frequency, disease prevalence and penetrance estimates, and inheritance mode, an automated score was calculated to assess if this variant is too frequent to cause the disease. Based on the score and internal cut-off values, a variant classified as benign is not then subjected to further curation. The score for this variant resulted in a classification of benign for this disease.

Laboratory for Molecular Medicine, Mass General Brigham Personalized Medicine
Classification: Benign. Last evaluated: 2017-11-27. Review status: criteria provided, single submitter. Criteria: LMM Criteria. Collection method: clinical testing. Allele origin: germline. Observed: 21 variant alleles.
Comment: c.-2C>T in intron 2 of COL4A4: This variant is not expected to have clinical sig nificance because it has been identified in 33.3% (7981/23968) of African chromo somes by the Genome Aggregation Database (gnomAD, rg; dbSNP rs2228558). ACMG/AMP Criteria applied: BA1.

GeneDx
Classification: Benign. Last evaluated: 2017-10-05. Review status: criteria provided, single submitter. Criteria: GeneDx Variant Classification (06012015). Collection method: clinical testing. Allele origin: germline. Affected: yes.
Comment: This variant is considered likely benign or benign based on one or more of the following criteria: it is a conservative change, it occurs at a poorly conserved position in the protein, it is predicted to be benign by multiple in silico algorithms, and/or has population frequency not consistent with disease.

Breakthrough Genomics
Classification: Benign. Review status: criteria provided, single submitter. Criteria: ACMG Guidelines, 2015. Collection method: not provided. Allele origin: germline. Inheritance: Autosomal recessive inheritance. Affected: yes.

PreventionGenetics, part of Exact Sciences
Classification: Benign. Review status: criteria provided, single submitter. Criteria: ACMG Guidelines, 2015. Collection method: clinical testing. Allele origin: germline.

Natera, Inc.
Classification: Benign for Alport syndrome. Last evaluated: 2020-09-16. Review status: no assertion criteria provided. Collection method: clinical testing. Allele origin: germline. Not counted in ClinVar's aggregate classification.

Literature cited by the submitters: PubMed 11961012 (cited by Laboratory for Molecular Medicine, Mass General Brigham Personalized Medicine).